The following is an entry in ClinVar:

ClinVar aggregate classification (germline): Conflicting classifications of pathogenicity. Review status: criteria provided, conflicting classifications (1 of 4 stars). 2 submissions from 2 submitters: Likely pathogenic (1); Uncertain significance (1). Last evaluated 2022-02-04.

Conditions:
Catecholaminergic polymorphic ventricular tachycardia 3. Identifiers: Orphanet 3286, MedGen C3151463, MONDO:0013529, OMIM 614021.
Cardiovascular phenotype. Identifiers: MedGen CN230736.

Allele frequency attached by ClinVar (database versions not stated): gnomAD 0.00001.
gnomAD v4.1: 1 of 1,581,746 alleles (0.000063%); highest among the groups gnomAD compares: Admixed American, 0.0017%; no homozygotes.

Submissions (2):

Ambry Genetics
Classification: Uncertain significance for Cardiovascular phenotype. Last evaluated: 2022-02-04. Review status: criteria provided, single submitter. Criteria: Ambry Variant Classification Scheme 2023. Collection method: clinical testing. Allele origin: germline.
Comment: The p.Y305* variant (also known as c.915T>G), located in coding exon 10 of the TECRL gene, results from a T to G substitution at nucleotide position 915. This changes the amino acid from a tyrosine to a stop codon within coding exon 10. This alteration occurs at the 3' terminus of theTECRL gene, is not expected to trigger nonsense-mediated mRNAdecay, and only impacts the last 16% of the protein. The exact functional effect of this alteration is unknown. Since supporting evidence is limited at this time, the clinical significance of this alteration remains unclear.

Rady Children's Institute for Genomic Medicine, Rady Children's Hospital San Diego
Classification: Likely pathogenic for VENTRICULAR TACHYCARDIA, CATECHOLAMINERGIC POLYMORPHIC, 3. Review status: criteria provided, single submitter. Criteria: ACMG Guidelines, 2015. Collection method: clinical testing. Allele origin: germline. Affected: yes.
Comment: This nonsense variant found in exon 10 of 12 is predicted to result in loss of normal protein function through either protein truncation or nonsense-mediated mRNA decay (NMD). This variant has not been previously reported or functionally characterized in the literature to our knowledge. A loss-of-function variant further downstream of this variant has been reported as a compound heterozygous change in a patient with long QT syndrome and catecholaminergic polymorphic ventricular tachycardia (PMID: 31737537). Loss-of-function variation in TECRL is an established mechanism of disease (PMID: 30790670, 31737537). The c.915T>G (p.Tyr305Ter) variant is absent from the gnomAD population database and thus is presumed to be rare. Based on the available evidence, the c.915T>G (p.Tyr305Ter) variant is classified as Likely Pathogenic.

NM_001010874.5(TECRL):c.915T>G (p.Tyr305Ter)

Gene: TECRL (trans-2,3-enoyl-CoA reductase like; minus strand). Cytogenetic location: 4q13.1.
Variant type: single nucleotide variant.
Coding change: c.915T>G on transcript NM_001010874.5 (MANE Select); coding-DNA position 915, T replaced by G.
Protein change: p.Tyr305Ter; replaces tyrosine 305 with a stop codon.
Molecular consequence: nonsense.
Genome position (GRCh38, 1-based): chr4:64,281,477, A>C on the plus strand (T>G on the coding strand, the complement: TECRL is on the minus strand). VCF-style: chr4-64281477-A-C. GRCh37 (hg19) VCF-style: chr4-65147195-A-C.
Other names: c.915T>G, p.Tyr305Ter (NM_001363796.1); short protein forms Y305*.
Identifiers: ClinVar variation 1766009 (VCV001766009.3), dbSNP rs974725975, ClinGen allele CA357043568.
Genomic context (GRCh38, chr4:64,281,477, plus strand): 5'-CATGCATTTAGTATATCATGAATAGGATTCAAGCATTTACATACATAAATAACATACCTC[A>C]TAGGTGTAGTTAGGACATGAAACCAGGAAAAACATCCATGTGAAGGGGTTATAATTTGGA-3'